The following is an entry in ClinVar:

ClinVar aggregate classification (germline): Uncertain significance (1 of 4 stars; one submission).

Submission:

CeGaT Center for Human Genetics Tuebingen
Classification: Uncertain significance. Last evaluated: 2026-06-01. Review status: criteria provided, single submitter. Criteria: CeGaT Center For Human Genetics Tuebingen Variant Classification Criteria Version 2. Collection method: clinical testing. Allele origin: germline. Affected: yes. Observed: 1 variant allele.
Comment: CHD7: PM2, PP3

NM_017780.4(CHD7):c.6994T>C (p.Trp2332Arg)

Gene: CHD7 (chromodomain helicase DNA binding protein 7; plus strand). Cytogenetic location: 8q12.2.
Variant type: single nucleotide variant.
Coding change: c.6994T>C on transcript NM_017780.4 (MANE Select); coding-DNA position 6994, T replaced by C.
Protein change: p.Trp2332Arg; replaces tryptophan 2332 with arginine.
Molecular consequence: missense variant. On other transcripts: intron variant (1).
Genome position (GRCh38, 1-based): chr8:60,856,032, T>C. VCF-style: chr8-60856032-T-C. GRCh37 (hg19) VCF-style: chr8-61768591-T-C.
Other names: c.1717-6197T>C (NM_001316690.1); short protein forms W2332R.
Identifiers: ClinVar variation 4873461 (VCV004873461.2).